The following is an entry in ClinVar:

NM_000091.5(COL4A3):c.3346G>C (p.Gly1116Arg)

Genes: COL4A3 (collagen type IV alpha 3 chain; plus strand), MFF-DT (MFF divergent transcript; minus strand). Cytogenetic location: 2q36.3.
Variant type: single nucleotide variant.
Coding change: c.3346G>C on transcript NM_000091.5 (MANE Select); coding-DNA position 3346, G replaced by C.
Protein change: p.Gly1116Arg; replaces glycine 1116 with arginine.
Molecular consequence: missense variant.
Genome position (GRCh38, 1-based): chr2:227,294,498, G>C. VCF-style: chr2-227294498-G-C. GRCh37 (hg19) VCF-style: chr2-228159214-G-C.
Other names: short protein forms G1116R.
Identifiers: ClinVar variation 3339813 (VCV003339813.1).

ClinVar aggregate classification (germline): Uncertain significance (1 of 4 stars; one submission).

Submission:

Women's Health and Genetics/Laboratory Corporation of America, LabCorp
Classification: Uncertain significance. Last evaluated: 2024-06-24. Review status: criteria provided, single submitter. Criteria: LabCorp Variant Classification Summary - May 2015. Collection method: clinical testing. Allele origin: germline.
Comment: Variant summary: COL4A3 c.3346G>C (p.Gly1116Arg) results in a non-conservative amino acid change located in the collagen triple helix repeat region of the encoded protein sequence. Five of five in-silico tools predict a damaging effect of the variant on protein function. The variant was absent in 249508 control chromosomes. The available data on variant occurrences in the general population are insufficient to allow any conclusion about variant significance. To our knowledge, no occurrence of c.3346G>C in individuals affected with Alport Syndrome, Autosomal Recessive and no experimental evidence demonstrating its impact on protein function have been reported. No submitters have cited clinical-significance assessments for this variant to ClinVar. Based on the evidence outlined above, the variant was classified as uncertain significance.